The following is an entry in ClinVar:

ClinVar aggregate classification (germline): Uncertain significance (1 of 4 stars; one submission).

gnomAD v4.1: 23 of 1,572,636 alleles (0.0015%); highest among the groups gnomAD compares: East Asian, 0.035%; no homozygotes.

Submission:

GeneDx
Classification: Uncertain significance. Last evaluated: 2024-08-02. Review status: criteria provided, single submitter. Criteria: GeneDx Variant Classification Process June 2021. Collection method: clinical testing. Allele origin: germline. Affected: yes.
Comment: In silico analysis indicates that this missense variant does not alter protein structure/function; Has not been previously published as pathogenic or benign to our knowledge; Reported using an alternate transcript of the gene

NM_001379500.1(COL18A1):c.107-11965C>A

Gene: COL18A1 (collagen type XVIII alpha 1 chain; plus strand). Cytogenetic location: 21q22.3.
Variant type: single nucleotide variant.
Coding change: c.107-11965C>A on transcript NM_001379500.1 (MANE Select); 11965 bases into the intron before coding-DNA position 107, C replaced by A.
Molecular consequence: intron variant. On other transcripts: missense variant (1).
Genome position (GRCh38, 1-based): chr21:45,456,277, C>A. VCF-style: chr21-45456277-C-A. GRCh37 (hg19) VCF-style: chr21-46876191-C-A.
Other names: c.747C>A, p.Ser249Arg (NM_130444.3); c.646+101C>A (NM_030582.4); short protein forms S249R.
Identifiers: ClinVar variation 3603102 (VCV003603102.1).